The following is an entry in ClinVar:

ClinVar aggregate classification (germline): Uncertain significance (1 of 4 stars; one submission).

Allele frequency attached by ClinVar (database versions not stated): gnomAD exomes 0.00001.

Submission:

Labcorp Genetics (formerly Invitae), Labcorp
Classification: Uncertain significance. Last evaluated: 2021-12-16. Review status: criteria provided, single submitter. Criteria: Invitae Variant Classification Sherloc (09022015). Collection method: clinical testing. Allele origin: germline.
Comment: In summary, the available evidence is currently insufficient to determine the role of this variant in disease. Therefore, it has been classified as a Variant of Uncertain Significance. Algorithms developed to predict the effect of missense changes on protein structure and function are either unavailable or do not agree on the potential impact of this missense change (SIFT: "Deleterious"; PolyPhen-2: "Probably Damaging"; Align-GVGD: "Class C0"). This variant has not been reported in the literature in individuals affected with MOCS2B-related conditions. This variant is present in population databases (rs200038643, gnomAD 0.0009%). This sequence change replaces methionine, which is neutral and non-polar, with isoleucine, which is neutral and non-polar, at codon 98 of the MOCS2B protein (p.Met98Ile).

NM_004531.5(MOCS2):c.294G>T (p.Met98Ile)

Gene: MOCS2 (molybdenum cofactor synthesis 2; minus strand). Cytogenetic location: 5q11.2.
Variant type: single nucleotide variant.
Coding change: c.294G>T on transcript NM_004531.5 (MANE Select); coding-DNA position 294, G replaced by T.
Protein change: p.Met98Ile; replaces methionine 98 with isoleucine.
Molecular consequence: missense variant. On other transcripts: 3 prime UTR variant (1).
Genome position (GRCh38, 1-based): chr5:53,101,442, C>A on the plus strand (G>T on the coding strand, the complement: MOCS2 is on the minus strand). VCF-style: chr5-53101442-C-A. GRCh37 (hg19) VCF-style: chr5-52397272-C-A.
Other names: c.*214G>T (NM_176806.4); c.294G>T, p.Met98Ile (NM_183418.1); short protein forms M98I.
Identifiers: ClinVar variation 1982676 (VCV001982676.2), dbSNP rs200038643, ClinGen allele CA118889570.